The following is an entry in ClinVar:

NM_078470.6(COX15):c.395+20_395+26del

Gene: COX15 (cytochrome c oxidase assembly factor COX15; minus strand). Cytogenetic location: 10q24.2.
Variant type: Deletion.
Coding change: c.395+20_395+26del on transcript NM_078470.6 (MANE Select); bases 20 to 26 of the intron after coding-DNA position 395, 7 bases deleted (AGGTAAA; older notation c.395+20_395+26delAGGTAAA).
Molecular consequence: intron variant.
Genome position (GRCh38, 1-based): chr10:99,727,415-99,727,421, TTTACCT deleted on the plus strand (AGGTAAA on the coding strand, the reverse complement: COX15 is on the minus strand). VCF-style (leftmost placement, unchanged base first): chr10-99727414-GTTTACCT-G. GRCh37 (hg19) VCF-style: chr10-101487171-GTTTACCT-G.
Other names: c.395+20_395+26del (NM_001320974.2, NM_001372026.1, NM_001372028.1 and 5 more transcripts); c.-60+20_-60+26del (NM_001320976.2).
Identifiers: ClinVar variation 214256 (VCV000214256.9), dbSNP rs774517968, ClinGen allele CA323007.

ClinVar aggregate classification (germline): Benign/Likely benign. Review status: criteria provided, multiple submitters, no conflicts (2 of 4 stars). 3 submissions from 3 submitters: Benign (2); Likely benign (1). Last evaluated 2026-01-27.

Allele frequency attached by ClinVar (database versions not stated): ESP Exome Variant Server 0.00072; TOPMed 0.00091; gnomAD 0.00098 and 0.00101; gnomAD exomes 0.00106 and 0.00137; ExAC 0.00125.

Submissions (3):

Labcorp Genetics (formerly Invitae), Labcorp
Classification: Benign. Last evaluated: 2026-01-27. Review status: criteria provided, single submitter. Criteria: Invitae Variant Classification Sherloc (09022015). Collection method: clinical testing. Allele origin: germline.

Blueprint Genetics
Classification: Likely benign. Last evaluated: 2024-11-19. Review status: criteria provided, single submitter. Criteria: ACMG Guidelines, 2015. Collection method: clinical testing. Allele origin: germline.

GeneDx
Classification: Benign. Last evaluated: 2014-09-02. Review status: criteria provided, single submitter. Criteria: GeneDx Variant Classification (06012015). Collection method: clinical testing. Allele origin: germline. Affected: yes.
Comment: The variant is found in MITONUC-MITOP panel(s).